The following is an entry in ClinVar:

ClinVar aggregate classification (germline): Uncertain significance (1 of 4 stars; one submission).

Conditions:
Ataxia-telangiectasia syndrome (AT). Also called: Ataxia telangiectasia (A-T); LOUIS-BAR SYNDROME; Cerebello-oculocutaneous telangiectasia; Immunodeficiency with ataxia telangiectasia; Ataxia-telangiectasia, complementation group E; Ataxia-telangiectasia. Identifiers: Orphanet 100, MedGen C0004135, MONDO:0008840, OMIM 208900.

Submission:

Labcorp Genetics (formerly Invitae), Labcorp
Classification: Uncertain significance for Ataxia-telangiectasia syndrome. Last evaluated: 2024-09-12. Review status: criteria provided, single submitter. Criteria: Invitae Variant Classification Sherloc (09022015). Collection method: clinical testing. Allele origin: germline.
Comment: This sequence change replaces serine, which is neutral and polar, with asparagine, which is neutral and polar, at codon 1358 of the ATM protein (p.Ser1358Asn). This variant is not present in population databases (gnomAD no frequency). This variant has not been reported in the literature in individuals affected with ATM-related conditions. An algorithm developed to predict the effect of missense changes on protein structure and function (PolyPhen-2) suggests that this variant is likely to be tolerated. In summary, the available evidence is currently insufficient to determine the role of this variant in disease. Therefore, it has been classified as a Variant of Uncertain Significance.

NM_000051.4(ATM):c.4073G>A (p.Ser1358Asn)

Gene: ATM (ATM serine/threonine kinase; plus strand). Cytogenetic location: 11q22.3.
Variant type: single nucleotide variant.
Coding change: c.4073G>A on transcript NM_000051.4 (MANE Select); coding-DNA position 4073, G replaced by A.
Protein change: p.Ser1358Asn; replaces serine 1358 with asparagine.
Molecular consequence: missense variant.
Genome position (GRCh38, 1-based): chr11:108,287,679, G>A. VCF-style: chr11-108287679-G-A. GRCh37 (hg19) VCF-style: chr11-108158406-G-A.
Other names: c.4073G>A, p.Ser1358Asn (NM_001351834.2); short protein forms S1358N.
Identifiers: ClinVar variation 3684919 (VCV003684919.2).
Genomic context (GRCh38, chr11:108,287,679, plus strand): 5'-GTAATTTACCAGAGATTGTGGTGGAGTTATTGATGACGTTACATGAGCCAGCAAATTCTA[G>A]TGCCAGTCAGAGCACTGACCTCTGTGACTTTTCAGGGTATGTACATTTTAAACTTAGAGA-3'
Protein context (NP_000042.3, residues 1348-1368): LMTLHEPANS[Ser1358Asn]ASQSTDLCDF